The following is an entry in ClinVar:

ClinVar aggregate classification (germline): Likely benign. Review status: criteria provided, single submitter (1 of 4 stars). 2 submissions from 2 submitters: Likely benign (1). 1 of the submissions does not count toward it. Last evaluated 2020-11-15.

Conditions:
TGFB2-related disorder. Also called: TGFB2-related condition.
Familial thoracic aortic aneurysm and aortic dissection (TAAD). Also called: Thoracic aortic aneurysms and dissections. Identifiers: Orphanet 91387, MedGen C4707243, MONDO:0019625.

Submissions (2):

Ambry Genetics
Classification: Likely benign for Familial thoracic aortic aneurysm and aortic dissection. Last evaluated: 2020-11-15. Review status: criteria provided, single submitter. Criteria: Ambry Variant Classification Scheme 2023. Collection method: clinical testing. Allele origin: germline.

PreventionGenetics, part of Exact Sciences
Classification: Likely benign for TGFB2-related condition. Last evaluated: 2023-03-24. Review status: no assertion criteria provided. Collection method: clinical testing. Allele origin: germline. Not counted in ClinVar's aggregate classification.
Comment: This variant is classified as likely benign based on ACMG/AMP sequence variant interpretation guidelines (Richards et al. 2015 PMID: 25741868, with internal and published modifications).

NM_003238.6(TGFB2):c.468C>T (p.Asn156=)

Gene: TGFB2 (transforming growth factor beta 2; plus strand). Cytogenetic location: 1q41.
Variant type: single nucleotide variant.
Coding change: c.468C>T on transcript NM_003238.6 (MANE Select); coding-DNA position 468, C replaced by T.
Protein change: p.Asn156=; no amino-acid change (asparagine 156 retained).
Molecular consequence: synonymous variant. On other transcripts: non-coding transcript variant (2).
Genome position (GRCh38, 1-based): chr1:218,405,290, C>T. VCF-style: chr1-218405290-C-T. GRCh37 (hg19) VCF-style: chr1-218578632-C-T.
Other names: c.552C>T, p.Asn184= (NM_001135599.4); c.468C>T (NM_003238.4).
Identifiers: ClinVar variation 1742459 (VCV001742459.4), dbSNP rs1658871802, ClinGen allele CA423177270.
Genomic context (GRCh38, chr1:218,405,290, plus strand): 5'-AATGGAGAAGAATGCTTCCAATTTGGTGAAAGCAGAGTTCAGAGTCTTTCGTTTGCAGAA[C>T]CCAAAAGCCAGAGTGCCTGAACAACGGATTGAGCTATATCAGGTAATGTTCATTTGTTGT-3'
Protein context (NP_003229.1, residues 146-166): KAEFRVFRLQ[Asn156=]PKARVPEQRI